The following is an entry in ClinVar:

ClinVar aggregate classification (germline): Uncertain significance (1 of 4 stars; one submission).

Conditions:
Emery-Dreifuss muscular dystrophy (EDMD). Also called: Scapuloperoneal syndrome, X-linked (formerly); Humeroperoneal neuromuscular disease, (formerly). Identifiers: Orphanet 261, MedGen C0410189, MONDO:0016830.

gnomAD v4.1: 1 of 1,612,448 alleles (0.000062%); highest among the groups gnomAD compares: Non-Finnish European, 0.000085%; no homozygotes.

Submission:

Labcorp Genetics (formerly Invitae), Labcorp
Classification: Uncertain significance for Emery-Dreifuss muscular dystrophy. Last evaluated: 2025-08-25. Review status: criteria provided, single submitter. Criteria: Invitae Variant Classification Sherloc (09022015). Collection method: clinical testing. Allele origin: germline.
Comment: This sequence change replaces glycine, which is neutral and non-polar, with aspartic acid, which is acidic and polar, at codon 174 of the SUN2 protein (p.Gly174Asp). This variant is present in population databases (rs148232799, gnomAD 0.0009%). This variant has not been reported in the literature in individuals affected with SUN2-related conditions. An algorithm developed to predict the effect of missense changes on protein structure and function (PolyPhen-2) suggests that this variant is likely to be disruptive. In summary, the available evidence is currently insufficient to determine the role of this variant in disease. Therefore, it has been classified as a Variant of Uncertain Significance.

NM_015374.3(SUN2):c.521G>A (p.Gly174Asp)

Gene: SUN2 (Sad1 and UNC84 domain containing 2; minus strand). Cytogenetic location: 22q13.1.
Variant type: single nucleotide variant.
Coding change: c.521G>A on transcript NM_015374.3 (MANE Select); coding-DNA position 521, G replaced by A.
Protein change: p.Gly174Asp; replaces glycine 174 with aspartic acid.
Molecular consequence: missense variant. On other transcripts: intron variant (1).
Genome position (GRCh38, 1-based): chr22:38,749,859, C>T on the plus strand (G>A on the coding strand, the complement: SUN2 is on the minus strand). VCF-style: chr22-38749859-C-T. GRCh37 (hg19) VCF-style: chr22-39145864-C-T.
Other names: c.584G>A, p.Gly195Asp (NM_001199579.2, NM_001394428.1); c.521G>A, p.Gly174Asp (NM_001199580.2, NM_001394427.1, NM_001394431.1 and 9 more transcripts); c.566G>A, p.Gly189Asp (NM_001394429.1, NM_001394430.1); c.123-1076G>A (NM_001394443.1); c.431G>A, p.Gly144Asp (NM_001394438.1); c.383G>A, p.Gly128Asp (NM_001394439.1, NM_001394440.1, NM_001394441.1); short protein forms G128D, G174D, G189D, G144D, G195D.
Identifiers: ClinVar variation 4702664 (VCV004702664.1).